The following is an entry in ClinVar:

ClinVar aggregate classification (germline): Uncertain significance (1 of 4 stars; one submission).

Allele frequency attached by ClinVar (database versions not stated): gnomAD exomes below 0.00001.
gnomAD v4.1: 2 of 1,599,444 alleles (0.00013%); highest among the groups gnomAD compares: Non-Finnish European, 0.00017%; no homozygotes.

Submission:

Labcorp Genetics (formerly Invitae), Labcorp
Classification: Uncertain significance. Last evaluated: 2023-05-12. Review status: criteria provided, single submitter. Criteria: Invitae Variant Classification Sherloc (09022015). Collection method: clinical testing. Allele origin: germline.
Comment: This variant is present in population databases (no rsID available, gnomAD 0.0009%). This sequence change replaces tyrosine, which is neutral and polar, with cysteine, which is neutral and slightly polar, at codon 91 of the EPAS1 protein (p.Tyr91Cys). This variant has not been reported in the literature in individuals affected with EPAS1-related conditions. An algorithm developed to predict the effect of missense changes on protein structure and function (PolyPhen-2) suggests that this variant is likely to be disruptive. In summary, the available evidence is currently insufficient to determine the role of this variant in disease. Therefore, it has been classified as a Variant of Uncertain Significance.

NM_001430.5(EPAS1):c.272A>G (p.Tyr91Cys)

Gene: EPAS1 (endothelial PAS domain protein 1; plus strand). Cytogenetic location: 2p21.
Variant type: single nucleotide variant.
Coding change: c.272A>G on transcript NM_001430.5 (MANE Select); coding-DNA position 272, A replaced by G.
Protein change: p.Tyr91Cys; replaces tyrosine 91 with cysteine.
Molecular consequence: missense variant.
Genome position (GRCh38, 1-based): chr2:46,356,205, A>G. VCF-style: chr2-46356205-A-G. GRCh37 (hg19) VCF-style: chr2-46583344-A-G.
Other names: short protein forms Y91C.
Identifiers: ClinVar variation 2863338 (VCV002863338.3), dbSNP rs1181746327, ClinGen allele CA346697781.
Genomic context (GRCh38, chr2:46,356,205, plus strand): 5'-TTCCAGTTTGCTCTGAAAACGAGTCCGAAGCCGAAGCTGACCAGCAGATGGACAACTTGT[A>G]CCTGAAAGCCTTGGAGGGTTTCATTGCCGTGGTGACCCAAGATGGCGACATGATCTTTCT-3'
Protein context (NP_001421.2, residues 81-101): AEADQQMDNL[Tyr91Cys]LKALEGFIAV